The following is an entry in ClinVar:

NM_133433.4(NIPBL):c.4561-2A>G

Gene: NIPBL (NIPBL cohesin loading factor; plus strand). Cytogenetic location: 5p13.2.
Variant type: single nucleotide variant.
Coding change: c.4561-2A>G on transcript NM_133433.4 (MANE Select); the canonical splice acceptor site of the intron before coding-DNA position 4561, A replaced by G.
Molecular consequence: splice acceptor variant.
Genome position (GRCh38, 1-based): chr5:37,014,681, A>G. VCF-style: chr5-37014681-A-G. GRCh37 (hg19) VCF-style: chr5-37014783-A-G.
Other names: c.4561-2A>G (NM_015384.5).
Identifiers: ClinVar variation 392287 (VCV000392287.2), dbSNP rs1057524427, ClinGen allele CA16604959.
Genomic context (GRCh38, chr5:37,014,681, plus strand): 5'-ATAGCAACAGGGCTAACTTATTATTTCTTGTATCTTTATAAACTCACTTTTTTTCATTCT[A>G]GATTGACCAGGATGTTGTCATTACTAACTCTTATGAAACAGCTATGCGAACAGCCCAAAA-3'

ClinVar aggregate classification (germline): Likely pathogenic (1 of 4 stars; one submission).

Submission:

GeneDx
Classification: Likely pathogenic. Last evaluated: 2017-01-12. Review status: criteria provided, single submitter. Criteria: GeneDx Variant Classification (06012015). Collection method: clinical testing. Allele origin: germline. Affected: yes.
Comment: The c.4561-2A>G variant in the NIPBL gene has not been reported previously as a pathogenic variant nor as a benign variant, to our knowledge. This splice site variant destroys the canonical splice acceptor site in intron 21. It is predicted to cause abnormal gene splicing, either leading to an abnormal message that is subject to nonsense-mediated mRNA decay, or to an abnormal protein product if the message is used for protein translation. The c.4561-2A>G variant was not observed in approximately 6500 individuals of European and African American ancestry in the NHLBI Exome Sequencing Project, indicating it is not a common benign variant in these populations. We interpret c.4561-2A>G as a likely pathogenic variant.